The following is an entry in ClinVar:

NM_005138.3(SCO2):c.602C>T (p.Ala201Val)

Genes: NCAPH2 (non-SMC condensin II complex subunit H2; plus strand), SCO2 (synthesis of cytochrome C oxidase 2; minus strand). Cytogenetic location: 22q13.33.
Variant type: single nucleotide variant.
Coding change: c.602C>T on transcript NM_005138.3 (MANE Select); coding-DNA position 602, C replaced by T.
Protein change: p.Ala201Val; replaces alanine 201 with valine.
Molecular consequence: missense variant. On other transcripts: 3 prime UTR variant (2).
Genome position (GRCh38, 1-based): chr22:50,523,810, G>A on the plus strand (C>T on the coding strand, the complement: SCO2 is on the minus strand). VCF-style: chr22-50523810-G-A. GRCh37 (hg19) VCF-style: chr22-50962239-G-A.
Other names: c.*435G>A (NM_001185011.2, NM_152299.4); c.602C>T, p.Ala201Val (NM_001169109.2, NM_001169110.1, NM_001169111.2); short protein forms A201V.
Identifiers: ClinVar variation 1447332 (VCV001447332.5), dbSNP rs746346302, ClinGen allele CA412191949.

ClinVar aggregate classification (germline): Uncertain significance (1 of 4 stars; one submission).

Allele frequency attached by ClinVar (database versions not stated): gnomAD exomes below 0.00001; TOPMed below 0.00001; gnomAD 0.00001.
gnomAD v4.1: 3 of 1,614,018 alleles (0.00019%); highest among the groups gnomAD compares: Admixed American, 0.0017%; no homozygotes.

Submission:

Labcorp Genetics (formerly Invitae), Labcorp
Classification: Uncertain significance. Last evaluated: 2022-07-19. Review status: criteria provided, single submitter. Criteria: Invitae Variant Classification Sherloc (09022015). Collection method: clinical testing. Allele origin: germline.
Comment: This sequence change replaces alanine, which is neutral and non-polar, with valine, which is neutral and non-polar, at codon 201 of the SCO2 protein (p.Ala201Val). This variant is not present in population databases (gnomAD no frequency). This variant has not been reported in the literature in individuals affected with SCO2-related conditions. ClinVar contains an entry for this variant (Variation ID: 1447332). Algorithms developed to predict the effect of missense changes on protein structure and function output the following: SIFT: "Tolerated"; PolyPhen-2: "Benign"; Align-GVGD: "Class C0". The valine amino acid residue is found in multiple mammalian species, which suggests that this missense change does not adversely affect protein function. Algorithms developed to predict the effect of sequence changes on RNA splicing suggest that this variant may create or strengthen a splice site. In summary, the available evidence is currently insufficient to determine the role of this variant in disease. Therefore, it has been classified as a Variant of Uncertain Significance.